The following is an entry in ClinVar:

NM_015443.4(KANSL1):c.2747C>G (p.Ala916Gly)

Gene: KANSL1 (KAT8 regulatory NSL complex subunit 1). Cytogenetic location: 17q21.31.
Variant type: single nucleotide variant.
Coding change: c.2747C>G on transcript NM_015443.4 (MANE Select); coding-DNA position 2747, C replaced by G.
Protein change: p.Ala916Gly; replaces alanine 916 with glycine.
Molecular consequence: missense variant.
Genome position (GRCh38, 1-based): chr17:46,033,170, G>C on the plus strand (C>G on the coding strand, the complement: KANSL1 is on the minus strand). VCF-style: chr17-46033170-G-C. GRCh37 (hg19) VCF-style: chr17-44110536-G-C.
Other names: c.2747C>G (NM_001193466.1); c.2744C>G, p.Ala915Gly (NM_001193465.2, NM_001405856.1, NM_001405857.1 and 1 more transcripts); c.2747C>G, p.Ala916Gly (NM_001193466.2, NM_001379198.1, NM_001405854.1 and 4 more transcripts); c.2645C>G, p.Ala882Gly (NM_001405859.1, NM_001405860.1); c.2642C>G, p.Ala881Gly (NM_001405861.1, NM_001405881.1); c.1478C>G, p.Ala493Gly (NM_001405883.1); c.1292C>G, p.Ala431Gly (NM_001405884.1); c.1289C>G, p.Ala430Gly (NM_001405885.1); and 3 more; short protein forms A493G, A430G, A853G, A882G, A915G, A916G, A431G, A494G.
Identifiers: ClinVar variation 2695261 (VCV002695261.4), dbSNP rs559357311, ClinGen allele CA8618455.

ClinVar aggregate classification (germline): Likely benign (1 of 4 stars; one submission).

Conditions:
Koolen-de Vries syndrome (KDVS). Identifiers: Orphanet 96169, MedGen C1864871, MONDO:0012496, OMIM 610443.

Allele frequency attached by ClinVar (database versions not stated): gnomAD 0.00001; 1000 Genomes Project 0.00020; 1000 Genomes Project 30x 0.00031.
gnomAD v4.1: 8 of 1,603,084 alleles (0.0005%); highest among the groups gnomAD compares: East Asian, 0.0022%; no homozygotes.

Submission:

Labcorp Genetics (formerly Invitae), Labcorp
Classification: Likely benign for Koolen-de Vries syndrome. Last evaluated: 2023-03-30. Review status: criteria provided, single submitter. Criteria: Invitae Variant Classification Sherloc (09022015). Collection method: clinical testing. Allele origin: germline.